The following is an entry in ClinVar:

NM_016203.4(PRKAG2):c.1620T>C (p.Ser540=)

Gene: PRKAG2 (protein kinase AMP-activated non-catalytic subunit gamma 2; minus strand). Cytogenetic location: 7q36.1.
Variant type: single nucleotide variant.
Coding change: c.1620T>C on transcript NM_016203.4 (MANE Select); coding-DNA position 1620, T replaced by C.
Protein change: p.Ser540=; no amino-acid change (serine 540 retained).
Molecular consequence: synonymous variant.
Genome position (GRCh38, 1-based): chr7:151,560,582, A>G on the plus strand (T>C on the coding strand, the complement: PRKAG2 is on the minus strand). VCF-style: chr7-151560582-A-G. GRCh37 (hg19) VCF-style: chr7-151257668-A-G.
Other names: c.1488T>C, p.Ser496= (NM_001040633.2); c.1245T>C, p.Ser415= (NM_001304527.2); c.897T>C, p.Ser299= (NM_001304531.2, NM_024429.2); c.1248T>C, p.Ser416= (NM_001363698.2).
Identifiers: ClinVar variation 506773 (VCV000506773.14), dbSNP rs1196648905, ClinGen allele CA458662304.
Genomic context (GRCh38, chr7:151,560,582, plus strand): 5'-ACCTGCTGGTGTGAGGATCAGGGCTTGCAGAATGTCCGACAGGGAAATAATACCCACAAT[A>G]CTATCTGCTTCATTTACCACCACCAGCCGATGGACCTGCAAAGAGAAAAGCAGGACACGT-3'
Protein context (NP_057287.2, residues 530-550): HRLVVVNEAD[Ser540=]IVGIISLSDI

ClinVar aggregate classification (germline): Likely benign. Review status: criteria provided, multiple submitters, no conflicts (2 of 4 stars). 5 submissions from 5 submitters: Likely benign (5). Last evaluated 2025-01-30.

Conditions:
Lethal congenital glycogen storage disease of heart. Also called: GLYCOGEN STORAGE DISEASE OF HEART; PHOSPHORYLASE KINASE DEFICIENCY OF HEART. Identifiers: Orphanet 439854, MedGen C1849813, MONDO:0009867, OMIM 261740.
Cardiovascular phenotype. Identifiers: MedGen CN230736.
Cardiomyopathy (CMYO). Also called: Cardiomyopathies. Identifiers: Orphanet 167848, MedGen C0878544, MONDO:0004994, HP:0001638. Inheritance: Various modes of inheritance.
Hypertrophic cardiomyopathy. Also called: HYPERTROPHIC MYOCARDIOPATHY. Identifiers: Orphanet 217569, MedGen C0007194, MeSH D002312, MONDO:0005045, HP:0001639.

Allele frequency attached by ClinVar (database versions not stated): gnomAD 0.00001; gnomAD exomes 0.00001; TOPMed 0.00002.
gnomAD v4.1: 13 of 1,613,792 alleles (0.00081%); highest among the groups gnomAD compares: African/African-American, 0.0027%; no homozygotes.

Submissions (5):

Labcorp Genetics (formerly Invitae), Labcorp
Classification: Likely benign for Lethal congenital glycogen storage disease of heart. Last evaluated: 2025-01-30. Review status: criteria provided, single submitter. Criteria: Invitae Variant Classification Sherloc (09022015). Collection method: clinical testing. Allele origin: germline.

All of Us Research Program, National Institutes of Health
Classification: Likely benign for Hypertrophic cardiomyopathy. Last evaluated: 2023-12-15. Review status: criteria provided, single submitter. Criteria: ACMG Guidelines, 2015. Collection method: clinical testing. Allele origin: germline. Inheritance: Autosomal dominant inheritance. Observed: 4 variant alleles, 4 heterozygotes.
Comment: This study involves interpretation of variants in research participants for the purpose of population health screening. Participant phenotype was not available at the time of variant classification. Additional details can be found in publication PMID: 35346344, PMCID: PMC8962531

Ambry Genetics
Classification: Likely benign for Cardiovascular phenotype. Last evaluated: 2020-08-09. Review status: criteria provided, single submitter. Criteria: Ambry Variant Classification Scheme 2023. Collection method: clinical testing. Allele origin: germline.

Color Diagnostics, LLC DBA Color Health
Classification: Likely benign for Cardiomyopathy. Last evaluated: 2020-01-23. Review status: criteria provided, single submitter. Criteria: ACMG Guidelines, 2015. Collection method: clinical testing. Allele origin: germline.

GeneDx
Classification: Likely benign. Last evaluated: 2017-12-06. Review status: criteria provided, single submitter. Criteria: GeneDx Variant Classification (06012015). Collection method: clinical testing. Allele origin: germline. Affected: yes.
Comment: This variant is considered likely benign or benign based on one or more of the following criteria: it is a conservative change, it occurs at a poorly conserved position in the protein, it is predicted to be benign by multiple in silico algorithms, and/or has population frequency not consistent with disease.